The following is an entry in ClinVar:

NM_001037333.3(CYFIP2):c.998C>T (p.Thr333Met)

Gene: CYFIP2 (cytoplasmic FMR1 interacting protein 2; plus strand). Cytogenetic location: 5q33.3.
Variant type: single nucleotide variant.
Coding change: c.998C>T on transcript NM_001037333.3 (MANE Select); coding-DNA position 998, C replaced by T.
Protein change: p.Thr333Met; replaces threonine 333 with methionine.
Molecular consequence: missense variant.
Genome position (GRCh38, 1-based): chr5:157,311,669, C>T. VCF-style: chr5-157311669-C-T. GRCh37 (hg19) VCF-style: chr5-156738677-C-T.
Other names: c.998C>T (NM_001291722.1); c.920C>T, p.Thr307Met (NM_001291721.2); c.998C>T, p.Thr333Met (NM_001291722.2, NM_014376.4); short protein forms T307M, T333M.
Identifiers: ClinVar variation 1598494 (VCV001598494.10), dbSNP rs148350606, ClinGen allele CA3533517.

ClinVar aggregate classification (germline): Likely benign. Review status: criteria provided, multiple submitters, no conflicts (2 of 4 stars). 3 submissions from 3 submitters: Likely benign (3). Last evaluated 2025-12-27.

Conditions:
CYFIP2-related disorder. Also called: CYFIP2-related condition.

Allele frequency attached by ClinVar (database versions not stated): gnomAD exomes 0.00005 and 0.00012; 1000 Genomes Project 30x 0.00016; 1000 Genomes Project 0.00020; ExAC 0.00030; gnomAD 0.00044 and 0.00048; TOPMed 0.00048; ESP Exome Variant Server 0.00055.
gnomAD v4.1: 142 of 1,605,770 alleles (0.0088%); highest among the groups gnomAD compares: African/African-American, 0.14%; no homozygotes.

Submissions (3):

PreventionGenetics, part of Exact Sciences
Classification: Likely benign for CYFIP2-related condition. Last evaluated: 2025-12-27. Review status: criteria provided, single submitter. Criteria: ACMG Guidelines, 2015. Collection method: clinical testing. Allele origin: germline.
Comment: This variant is classified as likely benign based on ACMG/AMP sequence variant interpretation guidelines (Richards et al. 2015 PMID: 25741868, with internal and published modifications).

Labcorp Genetics (formerly Invitae), Labcorp
Classification: Likely benign. Last evaluated: 2025-12-09. Review status: criteria provided, single submitter. Criteria: Invitae Variant Classification Sherloc (09022015). Collection method: clinical testing. Allele origin: germline.

Breakthrough Genomics
Classification: Likely benign. Review status: criteria provided, single submitter. Criteria: ACMG Guidelines, 2015. Collection method: not provided. Allele origin: germline. Inheritance: Autosomal dominant inheritance. Affected: yes.